The following is an entry in ClinVar:

ClinVar aggregate classification (germline): Likely benign. Review status: criteria provided, multiple submitters, no conflicts (2 of 4 stars). 2 submissions from 2 submitters: Likely benign (2). Last evaluated 2025-06-25.

Conditions:
PEX5-related disorder. Also called: PEX5-related condition; PEX5-Related Disorders.
Peroxisome biogenesis disorder 2B (PBD2B). Identifiers: Orphanet 44, MedGen C3550234, MONDO:0008736, OMIM 202370.

Allele frequency attached by ClinVar (database versions not stated): gnomAD exomes 0.00001; 1000 Genomes Project 30x 0.00016.
gnomAD v4.1: 20 of 1,614,036 alleles (0.0012%); highest among the groups gnomAD compares: East Asian, 0.0045%; no homozygotes.

Submissions (2):

PreventionGenetics, part of Exact Sciences
Classification: Likely benign for PEX5-related condition. Last evaluated: 2025-06-25. Review status: criteria provided, single submitter. Criteria: ACMG Guidelines, 2015. Collection method: clinical testing. Allele origin: germline.
Comment: This variant is classified as likely benign based on ACMG/AMP sequence variant interpretation guidelines (Richards et al. 2015 PMID: 25741868, with internal and published modifications).

Labcorp Genetics (formerly Invitae), Labcorp
Classification: Likely benign for Peroxisome biogenesis disorder 2B. Last evaluated: 2024-10-15. Review status: criteria provided, single submitter. Criteria: Invitae Variant Classification Sherloc (09022015). Collection method: clinical testing. Allele origin: germline.

NM_001351132.2(PEX5):c.654C>T (p.Phe218=)

Gene: PEX5 (peroxisomal biogenesis factor 5; plus strand). Cytogenetic location: 12p13.31.
Variant type: single nucleotide variant.
Coding change: c.654C>T on transcript NM_001351132.2 (MANE Select); coding-DNA position 654, C replaced by T.
Protein change: p.Phe218=; no amino-acid change (phenylalanine 218 retained).
Molecular consequence: synonymous variant. On other transcripts: intron variant (15).
Genome position (GRCh38, 1-based): chr12:7,202,252, C>T. VCF-style: chr12-7202252-C-T. GRCh37 (hg19) VCF-style: chr12-7354848-C-T.
Other names: c.654C>T, p.Phe218= (NM_000319.5, NM_001131025.2, NM_001131026.2 and 6 more transcripts); c.699C>T, p.Phe233= (NM_001131023.2); c.643-360C>T (NM_001351124.3, NM_001351126.2, NM_001374646.1 and 10 more transcripts); c.688-360C>T (NM_001351135.3, NM_001351138.2); c.654C>T (NM_001131025.1).
Identifiers: ClinVar variation 1588721 (VCV001588721.9), dbSNP rs752935710, ClinGen allele CA6426226.
Genomic context (GRCh38, chr12:7,202,252, plus strand): 5'-CACCTGGAAGTCCTTTCCCAAGTGGCCTGTGTGTGTCTCTGTGCCCCAGTTCCTGAAATT[C>T]GTGCGGCAGATTGGCGAAGGGCAGGTGTCCCTGGAGTCCGGTGCAGGGTCGGGCCGAGCT-3'
Protein context (NP_001338061.1, residues 208-228): PKLANSEFLK[Phe218=]VRQIGEGQVS